The following is an entry in ClinVar:

NM_017780.4(CHD7):c.718C>T (p.Gln240Ter)

Gene: CHD7 (chromodomain helicase DNA binding protein 7; plus strand). Cytogenetic location: 8q12.2.
Variant type: single nucleotide variant.
Coding change: c.718C>T on transcript NM_017780.4 (MANE Select); coding-DNA position 718, C replaced by T.
Protein change: p.Gln240Ter; replaces glutamine 240 with a stop codon.
Molecular consequence: nonsense.
Genome position (GRCh38, 1-based): chr8:60,742,150, C>T. VCF-style: chr8-60742150-C-T. GRCh37 (hg19) VCF-style: chr8-61654709-C-T.
Other names: c.718C>T, p.Gln240Ter (NM_001316690.1); short protein forms Q240*.
Identifiers: ClinVar variation 3777299 (VCV003777299.1).

ClinVar aggregate classification (germline): Pathogenic (1 of 4 stars; one submission).

Submission:

GeneDx
Classification: Pathogenic. Last evaluated: 2024-10-14. Review status: criteria provided, single submitter. Criteria: GeneDx Variant Classification Process June 2021. Collection method: clinical testing. Allele origin: germline. Affected: yes.
Comment: Identified in patients with features consistent with CHD7-related CHARGE spectrum disorder referred for genetic testing at GeneDx and in published literature (PMID: 22033296, 29653002); Nonsense variant predicted to result in protein truncation or nonsense mediated decay in a gene for which loss of function is a known mechanism of disease; Not observed at significant frequency in large population cohorts (gnomAD); This variant is associated with the following publications: (PMID: 22033296, 29653002)